The following is an entry in ClinVar:

ClinVar aggregate classification (germline): Pathogenic/Likely pathogenic. Review status: criteria provided, multiple submitters, no conflicts (2 of 4 stars). 2 submissions from 2 submitters: Pathogenic (1); Likely pathogenic (1). Last evaluated 2026-01-28.

Conditions:
Fanconi anemia complementation group D2. Also called: FANCD2-Related Fanconi Anemia; FANCONI PANCYTOPENIA, TYPE 4; FANCONI ANEMIA, COMPLEMENTATION GROUP D. Identifiers: Orphanet 84, MedGen C3160738, MONDO:0009214, OMIM 227646.
Fanconi anemia (FA). Also called: Fanconi's anemia. Identifiers: Orphanet 84, MedGen C0015625, MeSH D005199, MONDO:0019391.

Submissions (2):

Labcorp Genetics (formerly Invitae), Labcorp
Classification: Pathogenic for Fanconi anemia. Last evaluated: 2026-01-28. Review status: criteria provided, single submitter. Criteria: Invitae Variant Classification Sherloc (09022015). Collection method: clinical testing. Allele origin: germline.
Comment: This sequence change creates a premature translational stop signal (p.Lys77Argfs*7) in the FANCD2 gene. It is expected to result in an absent or disrupted protein product. Loss-of-function variants in FANCD2 are known to be pathogenic (PMID: 17436244). This variant is present in population databases (rs770835633, gnomAD 0.006%). This premature translational stop signal has been observed in individual(s) with Fanconi anemia (PMID: 31586946). This variant is also known as c.227delA. ClinVar contains an entry for this variant (Variation ID: 1322877). For these reasons, this variant has been classified as Pathogenic.

Fulgent Genetics
Classification: Likely pathogenic for Fanconi anemia complementation group D2. Last evaluated: 2022-03-11. Review status: criteria provided, single submitter. Criteria: ACMG Guidelines, 2015. Collection method: clinical testing. Allele origin: unknown.

Literature cited by the submitters: PubMed 17436244 (cited by Labcorp Genetics (formerly Invitae), Labcorp); PubMed 31586946 (cited by Labcorp Genetics (formerly Invitae), Labcorp).

NM_001018115.3(FANCD2):c.230del (p.Lys77fs)

Genes: FANCD2 (FA complementation group D2; plus strand), LOC107303338 (3p25 FANCD2 Alu-mediated recombination region; plus strand). Cytogenetic location: 3p25.3.
Variant type: Deletion.
Coding change: c.230del on transcript NM_001018115.3 (MANE Select); coding-DNA position 230, one base deleted (A; older notation c.230delA).
Protein change: p.Lys77fs; shifts the reading frame from lysine 77.
Molecular consequence: frameshift variant.
Genome position (GRCh38, 1-based): chr3:10,034,493, A deleted; the last of 4 consecutive A bases (chr3:10,034,490-10,034,493); deleting any one gives the same sequence. VCF-style (leftmost placement, unchanged base first): chr3-10034489-CA-C. GRCh37 (hg19) VCF-style: chr3-10076173-CA-C.
Other names: c.230del, p.Lys77fs (NM_001319984.2, NM_001374253.1, NM_001374254.1 and 2 more transcripts); short protein forms K77fs.
Identifiers: ClinVar variation 1322877 (VCV001322877.6), dbSNP rs770835633, ClinGen allele CA2249150.